The following is an entry in ClinVar:

NM_198525.3(KIF7):c.2537C>A (p.Thr846Lys)

Gene: KIF7 (kinesin family member 7; minus strand). Cytogenetic location: 15q26.1.
Variant type: single nucleotide variant.
Coding change: c.2537C>A on transcript NM_198525.3 (MANE Select); coding-DNA position 2537, C replaced by A.
Protein change: p.Thr846Lys; replaces threonine 846 with lysine.
Molecular consequence: missense variant.
Genome position (GRCh38, 1-based): chr15:89,633,741, G>T on the plus strand (C>A on the coding strand, the complement: KIF7 is on the minus strand). VCF-style: chr15-89633741-G-T. GRCh37 (hg19) VCF-style: chr15-90176972-G-T.
Other names: short protein forms T846K.
Identifiers: ClinVar variation 2144123 (VCV002144123.4), dbSNP rs151034440, ClinGen allele CA7728110.

ClinVar aggregate classification (germline): Uncertain significance (1 of 4 stars; one submission).

Conditions:
Acrocallosal syndrome (ACLS). Also called: HALLUX DUPLICATION, POSTAXIAL POLYDACTYLY, AND ABSENCE OF CORPUS CALLOSUM; Schinzel syndrome 1; Absence of corpus callosum with unusual facial appearance, mental deficiency, duplication of the halluces and polydactyly. Identifiers: Orphanet 36, MedGen C0796147, MONDO:0008708, OMIM 200990.

Allele frequency attached by ClinVar (database versions not stated): 1000 Genomes Project 30x 0.00031; 1000 Genomes Project 0.00040.
gnomAD v4.1: 14 of 1,609,218 alleles (0.00087%); highest among the groups gnomAD compares: South Asian, 0.011%; no homozygotes.

Submission:

Labcorp Genetics (formerly Invitae), Labcorp
Classification: Uncertain significance for Acrocallosal syndrome. Last evaluated: 2022-11-01. Review status: criteria provided, single submitter. Criteria: Invitae Variant Classification Sherloc (09022015). Collection method: clinical testing. Allele origin: germline.
Comment: In summary, the available evidence is currently insufficient to determine the role of this variant in disease. Therefore, it has been classified as a Variant of Uncertain Significance. Advanced modeling of protein sequence and biophysical properties (such as structural, functional, and spatial information, amino acid conservation, physicochemical variation, residue mobility, and thermodynamic stability) performed at Invitae indicates that this missense variant is not expected to disrupt KIF7 protein function. This variant is present in population databases (rs151034440, gnomAD 0.02%). This sequence change replaces threonine, which is neutral and polar, with lysine, which is basic and polar, at codon 846 of the KIF7 protein (p.Thr846Lys). This variant has not been reported in the literature in individuals affected with KIF7-related conditions.